The following is an entry in ClinVar:

NM_005012.4(ROR1):c.1728C>G (p.Ser576Arg)

Gene: ROR1 (ROR family WNT receptor 1; plus strand). Cytogenetic location: 1p31.3.
Variant type: single nucleotide variant.
Coding change: c.1728C>G on transcript NM_005012.4 (MANE Select); coding-DNA position 1728, C replaced by G.
Protein change: p.Ser576Arg; replaces serine 576 with arginine.
Molecular consequence: missense variant.
Genome position (GRCh38, 1-based): chr1:64,177,769, C>G. VCF-style: chr1-64177769-C-G. GRCh37 (hg19) VCF-style: chr1-64643452-C-G.
Other names: c.1728C>G (NM_005012.3); short protein forms S576R.
Identifiers: ClinVar variation 1904933 (VCV001904933.7), dbSNP rs149994380, ClinGen allele CA890324.

ClinVar aggregate classification (germline): Uncertain significance. Review status: criteria provided, multiple submitters, no conflicts (2 of 4 stars). 3 submissions from 3 submitters: Uncertain significance (3). Last evaluated 2025-12-18.

Conditions:
ROR1-related disorder. Also called: ROR1-related condition.

Allele frequency attached by ClinVar (database versions not stated): TOPMed 0.00003; gnomAD 0.00004; gnomAD exomes 0.00004; ExAC 0.00006; ESP Exome Variant Server 0.00015.
gnomAD v4.1: 58 of 1,613,928 alleles (0.0036%); highest among the groups gnomAD compares: Non-Finnish European, 0.0045%; no homozygotes.

Submissions (3):

PreventionGenetics, part of Exact Sciences
Classification: Uncertain significance for ROR1-related condition. Last evaluated: 2025-12-18. Review status: criteria provided, single submitter. Criteria: ACMG Guidelines, 2015. Collection method: clinical testing. Allele origin: germline.
Comment: The ROR1 c.1728C>G variant is predicted to result in the amino acid substitution p.Ser576Arg. To our knowledge, this variant has not been reported in the literature. This variant is reported in 0.010% of alleles in individuals of European (Non-Finnish) descent in gnomAD. At this time, the clinical significance of this variant is uncertain due to the absence of conclusive functional and genetic evidence.

Labcorp Genetics (formerly Invitae), Labcorp
Classification: Uncertain significance. Last evaluated: 2024-04-22. Review status: criteria provided, single submitter. Criteria: Invitae Variant Classification Sherloc (09022015). Collection method: clinical testing. Allele origin: germline.
Comment: This sequence change replaces serine, which is neutral and polar, with arginine, which is basic and polar, at codon 576 of the ROR1 protein (p.Ser576Arg). This variant is present in population databases (rs149994380, gnomAD 0.01%). This variant has not been reported in the literature in individuals affected with ROR1-related conditions. ClinVar contains an entry for this variant (Variation ID: 1904933). Advanced modeling of protein sequence and biophysical properties (such as structural, functional, and spatial information, amino acid conservation, physicochemical variation, residue mobility, and thermodynamic stability) performed at Invitae indicates that this missense variant is not expected to disrupt ROR1 protein function with a negative predictive value of 80%. In summary, the available evidence is currently insufficient to determine the role of this variant in disease. Therefore, it has been classified as a Variant of Uncertain Significance.

Ambry Genetics
Classification: Uncertain significance. Last evaluated: 2021-10-26. Review status: criteria provided, single submitter. Criteria: Ambry Variant Classification Scheme 2023. Collection method: clinical testing. Allele origin: germline.